The following is an entry in ClinVar:

ClinVar aggregate classification (germline): Benign. Review status: criteria provided, multiple submitters, no conflicts (2 of 4 stars). 10 submissions from 9 submitters: Benign (7). 3 of the submissions do not count toward it. Last evaluated 2025-02-01.

Conditions:
Tuberous sclerosis syndrome (TSC). Also called: Tuberous Sclerosis Complex; Tuberous sclerosis. Identifiers: Orphanet 805, MedGen C0041341, MONDO:0001734.
Tuberous sclerosis 2 (TSC2). Identifiers: Orphanet 805, MedGen C1860707, MONDO:0013199, OMIM 613254.
Polycystic kidney disease, adult type (PKD1). Also called: Polycystic Kidney Disease 1, Autosomal Dominant; Polycystic kidney disease 1; Polycystic kidney disease 1, severe; Polycystic Kidney, Autosomal Dominant; POLYCYSTIC KIDNEY DISEASE 1 WITH OR WITHOUT POLYCYSTIC LIVER DISEASE; POLYCYSTIC KIDNEY DISEASE, ADULT, TYPE I. Identifiers: MedGen C3149841, MONDO:0008263, OMIM 173900.

Allele frequency attached by ClinVar (database versions not stated): gnomAD exomes 0.10635; ExAC 0.11018; 1000 Genomes Project 0.16773; 1000 Genomes Project 30x 0.17739; gnomAD 0.18552 and 0.19533; TOPMed 0.19871; ESP Exome Variant Server 0.20146.
gnomAD v4.1: 177,497 of 1,612,040 alleles (11%); highest among the groups gnomAD compares: African/African-American, 41%; 14,145 homozygotes.

Submissions (10):

KCCC/NGS Laboratory, Kuwait Cancer Control Center
Classification: Benign for Polycystic kidney disease, adult type. Last evaluated: 2025-02-01. Review status: criteria provided, single submitter. Criteria: ACMG Guidelines, 2015. Collection method: clinical testing. Allele origin: germline. Affected: no.

Unidad de Genómica Garrahan, Hospital de Pediatría Garrahan
Classification: Benign. Last evaluated: 2024-07-15. Review status: criteria provided, single submitter. Criteria: ACMG Guidelines, 2015. Collection method: clinical testing. Allele origin: germline. Affected: no. Observed: 23 variant alleles.
Comment: This variant is classified as Benign based on local population frequency. This variant was detected in 25% of patients studied in a panel designed for Epileptic and Developmental Encephalopathy and Progressive Myoclonus Epilepsy. Number of patients: 23. Only high quality variants are reported.

KCCC/NGS Laboratory, Kuwait Cancer Control Center
Classification: Benign for Tuberous sclerosis 2. Last evaluated: 2023-07-07. Review status: criteria provided, single submitter. Criteria: ACMG Guidelines, 2015. Collection method: clinical testing. Allele origin: germline. Affected: yes.

ARUP Laboratories, Molecular Genetics and Genomics, ARUP Laboratories
Classification: Benign. Last evaluated: 2018-07-03. Review status: criteria provided, single submitter. Criteria: ARUP Molecular Germline Variant Investigation Process. Collection method: clinical testing. Allele origin: germline.

GeneDx
Classification: Benign. Last evaluated: 2018-06-20. Review status: criteria provided, single submitter. Criteria: GeneDx Variant Classification (06012015). Collection method: clinical testing. Allele origin: germline. Affected: yes.
Comment: This variant is considered likely benign or benign based on one or more of the following criteria: it is a conservative change, it occurs at a poorly conserved position in the protein, it is predicted to be benign by multiple in silico algorithms, and/or has population frequency not consistent with disease.

Breakthrough Genomics
Classification: Benign. Review status: criteria provided, single submitter. Criteria: ACMG Guidelines, 2015. Collection method: not provided. Allele origin: germline. Inheritance: Autosomal dominant inheritance. Affected: yes.

PreventionGenetics, part of Exact Sciences
Classification: Benign. Review status: criteria provided, single submitter. Criteria: ACMG Guidelines, 2015. Collection method: clinical testing. Allele origin: germline.

Clinical Genetics DNA and cytogenetics Diagnostics Lab, Erasmus MC, Erasmus Medical Center
Classification: Benign. Review status: no assertion criteria provided. Collection method: clinical testing. Allele origin: germline. Affected: yes. Study: VKGL Data-share Consensus. Not counted in ClinVar's aggregate classification.

Genome Diagnostics Laboratory, University Medical Center Utrecht
Classification: Benign. Review status: no assertion criteria provided. Collection method: clinical testing. Allele origin: germline. Affected: yes. Study: VKGL Data-share Consensus. Not counted in ClinVar's aggregate classification.

Tuberous sclerosis database (TSC2)
No classification provided. Condition: TSC. Review status: no classification provided. Criteria: Tuberous Sclerosis Database Assertion Criteria 2015. Collection method: curation. Allele origin: germline. Affected: yes. Not counted in ClinVar's aggregate classification.

NM_000548.5(TSC2):c.5260-49C>T

Genes: PKD1 (polycystin 1, transient receptor potential channel interacting; minus strand), TSC2 (TSC complex subunit 2; plus strand). Cytogenetic location: 16p13.3.
Variant type: single nucleotide variant.
Coding change: c.5260-49C>T on transcript NM_000548.5 (MANE Select); 49 bases into the intron before coding-DNA position 5260, C replaced by T.
Molecular consequence: intron variant.
Genome position (GRCh38, 1-based): chr16:2,088,397, C>T. VCF-style: chr16-2088397-C-T. GRCh37 (hg19) VCF-style: chr16-2138398-C-T.
Other names: c.5260-49C>T (NM_000548.4); c.5191-49C>T (NM_001114382.3); c.5131-49C>T (NM_021055.3); c.5119-49C>T (NM_001370405.1); c.5062-49C>T (NM_001363528.2); c.5128-49C>T (NM_001370404.1); c.5059-49C>T (NM_001077183.3); c.4951-49C>T (NM_001318827.2); and 3 more.
Identifiers: ClinVar variation 49420 (VCV000049420.18), dbSNP rs13332221, ClinGen allele CA022335.